The following is an entry in ClinVar:

ClinVar aggregate classification (germline): Uncertain significance (1 of 4 stars; one submission).

Submission:

Labcorp Genetics (formerly Invitae), Labcorp
Classification: Uncertain significance. Last evaluated: 2024-03-01. Review status: criteria provided, single submitter. Criteria: Invitae Variant Classification Sherloc (09022015). Collection method: clinical testing. Allele origin: germline.
Comment: This sequence change replaces threonine, which is neutral and polar, with asparagine, which is neutral and polar, at codon 283 of the FGG protein (p.Thr283Asn). This variant is not present in population databases (gnomAD no frequency). This variant has not been reported in the literature in individuals affected with FGG-related conditions. Advanced modeling of protein sequence and biophysical properties (such as structural, functional, and spatial information, amino acid conservation, physicochemical variation, residue mobility, and thermodynamic stability) performed at Invitae indicates that this missense variant is not expected to disrupt FGG protein function with a negative predictive value of 80%. In summary, the available evidence is currently insufficient to determine the role of this variant in disease. Therefore, it has been classified as a Variant of Uncertain Significance.

NM_021870.3(FGG):c.848C>A (p.Thr283Asn)

Gene: FGG (fibrinogen gamma chain; minus strand). Cytogenetic location: 4q32.1.
Variant type: single nucleotide variant.
Coding change: c.848C>A on transcript NM_021870.3 (MANE Select); coding-DNA position 848, C replaced by A.
Protein change: p.Thr283Asn; replaces threonine 283 with asparagine.
Molecular consequence: missense variant.
Genome position (GRCh38, 1-based): chr4:154,608,469, G>T on the plus strand (C>A on the coding strand, the complement: FGG is on the minus strand). VCF-style: chr4-154608469-G-T. GRCh37 (hg19) VCF-style: chr4-155529621-G-T.
Other names: c.848C>A, p.Thr283Asn (NM_000509.6); short protein forms T283N.
Identifiers: ClinVar variation 3618448 (VCV003618448.2).